The following is an entry in ClinVar:

ClinVar aggregate classification (germline): Likely benign (1 of 4 stars; one submission).

gnomAD v4.1: 1 of 1,534,914 alleles (0.000065%); highest among the groups gnomAD compares: Non-Finnish European, 0.000088%; no homozygotes.

Submission:

CeGaT Center for Human Genetics Tuebingen
Classification: Likely benign. Last evaluated: 2025-02-01. Review status: criteria provided, single submitter. Criteria: CeGaT Center For Human Genetics Tuebingen Variant Classification Criteria Version 2. Collection method: clinical testing. Allele origin: germline. Affected: yes. Observed: 1 variant allele.
Comment: ARFGEF1: BP4, BP7

NM_006421.5(ARFGEF1):c.4368T>C (p.Asn1456=)

Gene: ARFGEF1 (ARF guanine nucleotide exchange factor 1; minus strand). Cytogenetic location: 8q13.2.
Variant type: single nucleotide variant.
Coding change: c.4368T>C on transcript NM_006421.5 (MANE Select); coding-DNA position 4368, T replaced by C.
Protein change: p.Asn1456=; no amino-acid change (asparagine 1456 retained).
Molecular consequence: synonymous variant. On other transcripts: non-coding transcript variant (1).
Genome position (GRCh38, 1-based): chr8:67,218,109, A>G on the plus strand (T>C on the coding strand, the complement: ARFGEF1 is on the minus strand). VCF-style: chr8-67218109-A-G. GRCh37 (hg19) VCF-style: chr8-68130344-A-G.
Other names: c.4368T>C, p.Asn1456= (NM_001413191.1, NM_001413192.1, NM_001413194.1 and 5 more transcripts); c.3768T>C, p.Asn1256= (NM_001413193.1, NM_001413197.1, NM_001413188.1); c.2943T>C, p.Asn981= (NM_001413196.1); c.4362T>C, p.Asn1454= (NM_001413190.1).
Identifiers: ClinVar variation 3771365 (VCV003771365.13).